The following is an entry in ClinVar:

ClinVar aggregate classification (germline): Uncertain significance (1 of 4 stars; one submission).

Conditions:
Alagille syndrome due to a JAG1 point mutation. Also called: JAG1-Related Alagille Syndrome; Alagille Syndrome 1; HEPATIC DUCTULAR HYPOPLASIA, SYNDROMATIC. Identifiers: Orphanet 261619, Orphanet 52, MedGen C1956125, MONDO:0016862, OMIM 118450.

Submission:

Labcorp Genetics (formerly Invitae), Labcorp
Classification: Uncertain significance for Alagille syndrome due to a JAG1 point mutation. Last evaluated: 2022-10-18. Review status: criteria provided, single submitter. Criteria: Invitae Variant Classification Sherloc (09022015). Collection method: clinical testing. Allele origin: germline.
Comment: In summary, the available evidence is currently insufficient to determine the role of this variant in disease. Therefore, it has been classified as a Variant of Uncertain Significance. Variants that disrupt the consensus splice site are a relatively common cause of aberrant splicing (PMID: 17576681, 9536098). Algorithms developed to predict the effect of sequence changes on RNA splicing suggest that this variant is not likely to affect RNA splicing. This variant has not been reported in the literature in individuals affected with JAG1-related conditions. This variant is not present in population databases (gnomAD no frequency). This sequence change falls in intron 11 of the JAG1 gene. It does not directly change the encoded amino acid sequence of the JAG1 protein. It affects a nucleotide within the consensus splice site.

Literature cited by the submitters: PubMed 17576681; PubMed 9536098.

NM_000214.3(JAG1):c.1396-3T>C

Gene: JAG1 (jagged canonical Notch ligand 1; minus strand). Cytogenetic location: 20p12.2.
Variant type: single nucleotide variant.
Coding change: c.1396-3T>C on transcript NM_000214.3 (MANE Select); 3 bases into the intron before coding-DNA position 1396, T replaced by C.
Molecular consequence: intron variant.
Genome position (GRCh38, 1-based): chr20:10,648,725, A>G on the plus strand (T>C on the coding strand, the complement: JAG1 is on the minus strand). VCF-style: chr20-10648725-A-G. GRCh37 (hg19) VCF-style: chr20-10629373-A-G.
Identifiers: ClinVar variation 2093664 (VCV002093664.4), dbSNP rs2514517350, ClinGen allele CA2577338300.
Genomic context (GRCh38, chr20:10,648,725, plus strand): 5'-CACAGTGATCGCCTGCATAGCCAGGTGGACAGATACAGCGATAACCATTAACCAAATCCT[A>G]GAAGAGGAGAAGGGGAGAGAGAGACACATGCTTTTTTTCTATGTATTCCACAAACACAGG-3'